The following is an entry in ClinVar:

ClinVar aggregate classification (germline): Uncertain significance (1 of 4 stars; one submission).

Conditions:
Inborn genetic diseases. Identifiers: MedGen C0950123, MeSH D030342.

Submission:

Ambry Genetics
Classification: Uncertain significance for Inborn genetic diseases. Last evaluated: 2025-09-10. Review status: criteria provided, single submitter. Criteria: Ambry Variant Classification Scheme 2023. Collection method: clinical testing. Allele origin: germline.
Comment: The p.L377P variant (also known as c.1130T>C), located in coding exon 5 of the SH2B3 gene, results from a T to C substitution at nucleotide position 1130. The leucine at codon 377 is replaced by proline, an amino acid with similar properties. This amino acid position is conserved. In addition, this alteration is predicted to be deleterious by in silico analysis. Based on the available evidence, the clinical significance of this variant remains unclear.

NM_005475.3(SH2B3):c.1130T>C (p.Leu377Pro)

Gene: SH2B3 (SH2B adaptor protein 3; plus strand). Cytogenetic location: 12q24.12.
Variant type: single nucleotide variant.
Coding change: c.1130T>C on transcript NM_005475.3 (MANE Select); coding-DNA position 1130, T replaced by C.
Protein change: p.Leu377Pro; replaces leucine 377 with proline.
Molecular consequence: missense variant.
Genome position (GRCh38, 1-based): chr12:111,447,438, T>C. VCF-style: chr12-111447438-T-C. GRCh37 (hg19) VCF-style: chr12-111885242-T-C.
Other names: c.524T>C, p.Leu175Pro (NM_001291424.1); short protein forms L377P, L175P.
Identifiers: ClinVar variation 4164014 (VCV004164014.1).